The following is an entry in ClinVar:

ClinVar aggregate classification (germline): Uncertain significance (1 of 4 stars; one submission).

Conditions:
Mullegama-Klein-Martinez syndrome. Also called: NEURODEVELOPMENTAL DISORDER, X-LINKED, WITH CRANIOFACIAL ABNORMALITIES. Identifiers: MedGen C5193008, MONDO:0026722, OMIM 301022.

Submission:

MVZ Medizinische Genetik Mainz
Classification: Uncertain significance for Mullegama-Klein-Martinez syndrome. Last evaluated: 2025-03-25. Review status: criteria provided, single submitter. Criteria: UK Practice Guidelines For Variant Classification V4 01 2020. Collection method: clinical testing. Allele origin: germline. Inheritance: X-linked dominant inheritance. Affected: yes. Observed: 1 variant allele.
Comment: ACMG Criteria: PM2_SUP,PP3

NM_001042750.2(STAG2):c.3784G>C (p.Val1262Leu)

Gene: STAG2 (STAG2 cohesin complex component; plus strand). Cytogenetic location: Xq25.
Variant type: single nucleotide variant.
Coding change: c.3784G>C on transcript NM_001042750.2 (MANE Select); coding-DNA position 3784, G replaced by C.
Protein change: p.Val1262Leu; replaces valine 1262 with leucine.
Molecular consequence: missense variant.
Genome position (GRCh38, 1-based): chrX:124,100,574, G>C. VCF-style: chrX-124100574-G-C. GRCh37 (hg19) VCF-style: chrX-123234424-G-C.
Other names: c.3784G>C, p.Val1262Leu (NM_001042749.2, NM_001375366.1, NM_001375367.1 and 5 more transcripts); c.3673G>C, p.Val1225Leu (NM_001042751.2, NM_001282418.2, NM_001375373.1 and 5 more transcripts); short protein forms V1225L, V1262L.
Identifiers: ClinVar variation 3894561 (VCV003894561.1).